The following is an entry in ClinVar:

NM_020937.4(FANCM):c.490C>T (p.His164Tyr)

Gene: FANCM (FA complementation group M; plus strand). Cytogenetic location: 14q21.2.
Variant type: single nucleotide variant.
Coding change: c.490C>T on transcript NM_020937.4 (MANE Select); coding-DNA position 490, C replaced by T.
Protein change: p.His164Tyr; replaces histidine 164 with tyrosine.
Molecular consequence: missense variant.
Genome position (GRCh38, 1-based): chr14:45,136,521, C>T. VCF-style: chr14-45136521-C-T. GRCh37 (hg19) VCF-style: chr14-45605724-C-T.
Other names: c.490C>T, p.His164Tyr (NM_001308133.2, NM_001308134.2); short protein forms H164Y.
Identifiers: ClinVar variation 3672871 (VCV003672871.3).

ClinVar aggregate classification (germline): Uncertain significance. Review status: criteria provided, multiple submitters, no conflicts (2 of 4 stars). 2 submissions from 2 submitters: Uncertain significance (2). Last evaluated 2025-04-19.

Conditions:
Inborn genetic diseases. Identifiers: MedGen C0950123, MeSH D030342.
Fanconi anemia (FA). Also called: Fanconi's anemia. Identifiers: Orphanet 84, MedGen C0015625, MeSH D005199, MONDO:0019391.

Submissions (2):

Ambry Genetics
Classification: Uncertain significance for Inborn genetic diseases. Last evaluated: 2025-04-19. Review status: criteria provided, single submitter. Criteria: Ambry Variant Classification Scheme 2023. Collection method: clinical testing. Allele origin: germline.
Comment: The p.H164Y variant (also known as c.490C>T), located in coding exon 1 of the FANCM gene, results from a C to T substitution at nucleotide position 490. The histidine at codon 164 is replaced by tyrosine, an amino acid with similar properties. This amino acid position is conserved. In addition, this alteration is predicted to be tolerated by in silico analysis. Based on the available evidence, the clinical significance of this variant remains unclear.

Labcorp Genetics (formerly Invitae), Labcorp
Classification: Uncertain significance for Fanconi anemia. Last evaluated: 2024-04-17. Review status: criteria provided, single submitter. Criteria: Invitae Variant Classification Sherloc (09022015). Collection method: clinical testing. Allele origin: germline.
Comment: This sequence change replaces histidine, which is basic and polar, with tyrosine, which is neutral and polar, at codon 164 of the FANCM protein (p.His164Tyr). This variant is not present in population databases (gnomAD no frequency). This variant has not been reported in the literature in individuals affected with FANCM-related conditions. An algorithm developed to predict the effect of missense changes on protein structure and function (PolyPhen-2) suggests that this variant is likely to be disruptive. In summary, the available evidence is currently insufficient to determine the role of this variant in disease. Therefore, it has been classified as a Variant of Uncertain Significance.